The following is an entry in ClinVar:

NM_014918.5(CHSY1):c.965G>A (p.Arg322His)

Gene: CHSY1 (chondroitin sulfate synthase 1; minus strand). Cytogenetic location: 15q26.3.
Variant type: single nucleotide variant.
Coding change: c.965G>A on transcript NM_014918.5 (MANE Select); coding-DNA position 965, G replaced by A.
Protein change: p.Arg322His; replaces arginine 322 with histidine.
Molecular consequence: missense variant.
Genome position (GRCh38, 1-based): chr15:101,178,832, C>T on the plus strand (G>A on the coding strand, the complement: CHSY1 is on the minus strand). VCF-style: chr15-101178832-C-T. GRCh37 (hg19) VCF-style: chr15-101719037-C-T.
Other names: c.965G>A (NM_014918.4); short protein forms R322H.
Identifiers: ClinVar variation 1362664 (VCV001362664.9), dbSNP rs140855609, ClinGen allele CA7762623.

ClinVar aggregate classification (germline): Uncertain significance. Review status: criteria provided, multiple submitters, no conflicts (2 of 4 stars). 2 submissions from 2 submitters: Uncertain significance (2). Last evaluated 2023-11-14.

Conditions:
Inborn genetic diseases. Identifiers: MedGen C0950123, MeSH D030342.
Temtamy preaxial brachydactyly syndrome (TPBS). Identifiers: Orphanet 363417, MedGen C1854466, MONDO:0011533, OMIM 605282.

Allele frequency attached by ClinVar (database versions not stated): ExAC 0.00001; gnomAD exomes 0.00001; ESP Exome Variant Server 0.00008.
gnomAD v4.1: 20 of 1,614,040 alleles (0.0012%); highest among the groups gnomAD compares: Admixed American, 0.0033%; no homozygotes.

Submissions (2):

Ambry Genetics
Classification: Uncertain significance for Inborn genetic diseases. Last evaluated: 2023-11-14. Review status: criteria provided, single submitter. Criteria: Ambry Variant Classification Scheme 2023. Collection method: clinical testing. Allele origin: germline.

Labcorp Genetics (formerly Invitae), Labcorp
Classification: Uncertain significance for Temtamy preaxial brachydactyly syndrome. Last evaluated: 2021-02-03. Review status: criteria provided, single submitter. Criteria: Invitae Variant Classification Sherloc (09022015). Collection method: clinical testing. Allele origin: germline.
Comment: Algorithms developed to predict the effect of missense changes on protein structure and function are either unavailable or do not agree on the potential impact of this missense change (SIFT: "Deleterious"; PolyPhen-2: "Probably Damaging"; Align-GVGD: "Class C0"). In summary, the available evidence is currently insufficient to determine the role of this variant in disease. Therefore, it has been classified as a Variant of Uncertain Significance. This variant has not been reported in the literature in individuals with CHSY1-related conditions. This variant is present in population databases (rs140855609, ExAC 0.001%). This sequence change replaces arginine with histidine at codon 322 of the CHSY1 protein (p.Arg322His). The arginine residue is moderately conserved and there is a small physicochemical difference between arginine and histidine.